The following is an entry in ClinVar:

ClinVar aggregate classification (germline): Uncertain significance (1 of 4 stars; one submission).

Conditions:
Left ventricular noncompaction 8 (LVNC8). Identifiers: Orphanet 154, Orphanet 54260, MedGen C3809288, MONDO:0014152, OMIM 615373.

Submission:

Labcorp Genetics (formerly Invitae), Labcorp
Classification: Uncertain significance for Left ventricular noncompaction 8. Last evaluated: 2022-10-02. Review status: criteria provided, single submitter. Criteria: Invitae Variant Classification Sherloc (09022015). Collection method: clinical testing. Allele origin: germline.
Comment: This sequence change falls in intron 16 of the PRDM16 gene. It does not directly change the encoded amino acid sequence of the PRDM16 protein. It affects a nucleotide within the consensus splice site. In summary, the available evidence is currently insufficient to determine the role of this variant in disease. Therefore, it has been classified as a Variant of Uncertain Significance. Variants that disrupt the consensus splice site are a relatively common cause of aberrant splicing (PMID: 17576681, 9536098). Algorithms developed to predict the effect of sequence changes on RNA splicing suggest that this variant may disrupt the consensus splice site. This variant has not been reported in the literature in individuals affected with PRDM16-related conditions. This variant is not present in population databases (gnomAD no frequency).

Literature cited by the submitters: PubMed 17576681; PubMed 9536098.

NM_022114.4(PRDM16):c.3697-2A>G

Gene: PRDM16 (PR/SET domain 16; plus strand). Cytogenetic location: 1p36.32.
Variant type: single nucleotide variant.
Coding change: c.3697-2A>G on transcript NM_022114.4 (MANE Select); the canonical splice acceptor site of the intron before coding-DNA position 3697, A replaced by G.
Molecular consequence: splice acceptor variant. On other transcripts: intron variant (1).
Genome position (GRCh38, 1-based): chr1:3,433,675, A>G. VCF-style: chr1-3433675-A-G. GRCh37 (hg19) VCF-style: chr1-3350239-A-G.
Other names: c.3697-59A>G (NM_199454.3).
Identifiers: ClinVar variation 2033744 (VCV002033744.4), dbSNP rs2523986512, ClinGen allele CA338005521.